The following is an entry in ClinVar:

ClinVar aggregate classification (germline): Likely benign. Review status: criteria provided, multiple submitters, no conflicts (2 of 4 stars). 3 submissions from 3 submitters: Likely benign (2). 1 of the submissions does not count toward it. Last evaluated 2026-01-09.

Conditions:
PEX5-related disorder. Also called: PEX5-related condition; PEX5-Related Disorders.
Peroxisome biogenesis disorder 2B (PBD2B). Identifiers: Orphanet 44, MedGen C3550234, MONDO:0008736, OMIM 202370.

Allele frequency attached by ClinVar (database versions not stated): TOPMed below 0.00001; gnomAD 0.00001.
gnomAD v4.1: 3 of 1,614,106 alleles (0.00019%); highest among the groups gnomAD compares: East Asian, 0.0022%; no homozygotes.

Submissions (3):

Labcorp Genetics (formerly Invitae), Labcorp
Classification: Likely benign for Peroxisome biogenesis disorder 2B. Last evaluated: 2026-01-09. Review status: criteria provided, single submitter. Criteria: Invitae Variant Classification Sherloc (09022015). Collection method: clinical testing. Allele origin: germline.

Blueprint Genetics
Classification: Likely benign. Last evaluated: 2019-08-16. Review status: criteria provided, single submitter. Criteria: ACMG Guidelines, 2015. Collection method: clinical testing. Allele origin: germline.

PreventionGenetics, part of Exact Sciences
Classification: Likely benign for PEX5-related condition. Last evaluated: 2024-01-03. Review status: no assertion criteria provided. Collection method: clinical testing. Allele origin: germline. Not counted in ClinVar's aggregate classification.
Comment: This variant is classified as likely benign based on ACMG/AMP sequence variant interpretation guidelines (Richards et al. 2015 PMID: 25741868, with internal and published modifications).

NM_001351132.2(PEX5):c.801A>G (p.Thr267=)

Gene: PEX5 (peroxisomal biogenesis factor 5; plus strand). Cytogenetic location: 12p13.31.
Variant type: single nucleotide variant.
Coding change: c.801A>G on transcript NM_001351132.2 (MANE Select); coding-DNA position 801, A replaced by G.
Protein change: p.Thr267=; no amino-acid change (threonine 267 retained).
Molecular consequence: synonymous variant.
Genome position (GRCh38, 1-based): chr12:7,202,659, A>G. VCF-style: chr12-7202659-A-G. GRCh37 (hg19) VCF-style: chr12-7355255-A-G.
Other names: c.801A>G, p.Thr267= (NM_000319.5, NM_001131025.2, NM_001131026.2 and 6 more transcripts); c.846A>G, p.Thr282= (NM_001131023.2); c.690A>G, p.Thr230= (NM_001131024.2, NM_001351124.3, NM_001351126.2 and 10 more transcripts); c.735A>G, p.Thr245= (NM_001351135.3, NM_001351138.2); c.801A>G (NM_001131025.1).
Identifiers: ClinVar variation 1112794 (VCV001112794.12), dbSNP rs1243197291, ClinGen allele CA478186173.